The following is an entry in ClinVar:

ClinVar aggregate classification (germline): Uncertain significance (1 of 4 stars; one submission).

Conditions:
WNT4-related disorder. Also called: WNT4-related condition.

Submission:

PreventionGenetics, part of Exact Sciences
Classification: Uncertain significance for WNT4-related condition. Last evaluated: 2026-05-22. Review status: criteria provided, single submitter. Criteria: ACMG Guidelines, 2015. Collection method: clinical testing. Allele origin: germline.
Comment: The WNT4 c.853C>T variant is predicted to result in the amino acid substitution p.Arg285Cys. This variant has been reported in an individual with focal segmental glomerulosclerosis (FSGS) from a cohort study on individuals with sporadic or familial FSGS through exome sequencing (Table S3. Wang et al. 2019. PubMed ID: 31308072). This variant is reported in 0.0033% of alleles in individuals of South Asian descent in gnomAD. At this time, the clinical significance of this variant is uncertain due to the absence of conclusive functional and genetic evidence.

NM_030761.5(WNT4):c.853C>T (p.Arg285Cys)

Gene: WNT4 (Wnt family member 4; minus strand). Cytogenetic location: 1p36.12.
Variant type: single nucleotide variant.
Coding change: c.853C>T on transcript NM_030761.5 (MANE Select); coding-DNA position 853, C replaced by T.
Protein change: p.Arg285Cys; replaces arginine 285 with cysteine.
Molecular consequence: missense variant.
Genome position (GRCh38, 1-based): chr1:22,120,253, G>A on the plus strand (C>T on the coding strand, the complement: WNT4 is on the minus strand). VCF-style: chr1-22120253-G-A. GRCh37 (hg19) VCF-style: chr1-22446746-G-A.
Other names: short protein forms R285C.
Identifiers: ClinVar variation 4985875 (VCV004985875.1).
Genomic context (GRCh38, chr1:22,120,253, plus strand): 5'-CGTCGATGGCCTTGGACGTCTTGTTGCATGTGCGGCCCCTCGTGCCCAGCACGCCGCTGC[G>A]CATGTCCTGCTCACAGAAGTCGGGGCTAGGCTCCAAGTACACCAGGTCCTCATCTGTGTG-3'
Protein context (NP_110388.2, residues 275-295): PSPDFCEQDM[Arg285Cys]SGVLGTRGRT